The following is an entry in ClinVar:

NM_014283.5(SUCO):c.3014G>A (p.Arg1005Gln)

Gene: SUCO (SUN domain containing ossification factor; plus strand). Cytogenetic location: 1q24.3.
Variant type: single nucleotide variant.
Coding change: c.3014G>A on transcript NM_014283.5 (MANE Select); coding-DNA position 3014, G replaced by A.
Protein change: p.Arg1005Gln; replaces arginine 1005 with glutamine.
Molecular consequence: missense variant.
Genome position (GRCh38, 1-based): chr1:172,600,164, G>A. VCF-style: chr1-172600164-G-A. GRCh37 (hg19) VCF-style: chr1-172569304-G-A.
Other names: c.3014G>A (NM_014283.3); c.1901G>A, p.Arg634Gln (NM_001282750.2); c.1325G>A, p.Arg442Gln (NM_001282751.2); c.3467G>A, p.Arg1156Gln (NM_016227.4); short protein forms R1156Q, R634Q, R1005Q, R442Q.
Identifiers: ClinVar variation 1466824 (VCV001466824.7), dbSNP rs140385082, ClinGen allele CA1247197.

ClinVar aggregate classification (germline): Uncertain significance. Review status: criteria provided, multiple submitters, no conflicts (2 of 4 stars). 2 submissions from 2 submitters: Uncertain significance (2). Last evaluated 2025-10-10.

Allele frequency attached by ClinVar (database versions not stated): ESP Exome Variant Server 0.00008; gnomAD exomes 0.00012 and 0.00010; gnomAD 0.00050 and 0.00051; ExAC 0.00010; 1000 Genomes Project 0.00060; TOPMed 0.00100; 1000 Genomes Project 30x 0.00062.
gnomAD v4.1: 256 of 1,606,756 alleles (0.016%); highest among the groups gnomAD compares: Admixed American, 0.17%; no homozygotes.

Submissions (2):

Labcorp Genetics (formerly Invitae), Labcorp
Classification: Uncertain significance. Last evaluated: 2025-10-10. Review status: criteria provided, single submitter. Criteria: Invitae Variant Classification Sherloc (09022015). Collection method: clinical testing. Allele origin: germline.
Comment: This sequence change replaces arginine, which is basic and polar, with glutamine, which is neutral and polar, at codon 1005 of the SUCO protein (p.Arg1005Gln). This variant is present in population databases (rs140385082, gnomAD 0.03%). This variant has not been reported in the literature in individuals affected with SUCO-related conditions. ClinVar contains an entry for this variant (Variation ID: 1466824). An algorithm developed to predict the effect of missense changes on protein structure and function outputs the following: PolyPhen-2: "Benign". The glutamine amino acid residue is found in multiple mammalian species, which suggests that this missense change does not adversely affect protein function. In summary, the available evidence is currently insufficient to determine the role of this variant in disease. Therefore, it has been classified as a Variant of Uncertain Significance.

Ambry Genetics
Classification: Uncertain significance. Last evaluated: 2025-08-06. Review status: criteria provided, single submitter. Criteria: Ambry Variant Classification Scheme 2023. Collection method: clinical testing. Allele origin: germline.